The following is an entry in ClinVar:

NM_001365276.2(TNXB):c.2588C>T (p.Pro863Leu)

Gene: TNXB (tenascin XB; minus strand). Cytogenetic location: 6p21.33.
Variant type: single nucleotide variant.
Coding change: c.2588C>T on transcript NM_001365276.2 (MANE Select); coding-DNA position 2588, C replaced by T.
Protein change: p.Pro863Leu; replaces proline 863 with leucine.
Molecular consequence: missense variant.
Genome position (GRCh38, 1-based): chr6:32,088,976, G>A on the plus strand (C>T on the coding strand, the complement: TNXB is on the minus strand). VCF-style: chr6-32088976-G-A. GRCh37 (hg19) VCF-style: chr6-32056753-G-A.
Other names: c.2588C>T, p.Pro863Leu (NM_001428335.1, NM_019105.8); short protein forms P863L.
Identifiers: ClinVar variation 3227254 (VCV003227254.1), dbSNP rs1251944211, ClinGen allele CA363461661.
Genomic context (GRCh38, chr6:32,088,976, plus strand): 5'-CTCACCCTCTGGTTGCCGGCACTGACGTAGGACACCACAAATCGGTCCACCTCAGCCTGG[G>A]GACGCAGCCAGCCAAGCTCCAGTGTTGTCGGTGTCACAGCCACCACTCGGAGGTCCTGGG-3'
Protein context (NP_001352205.1, residues 853-873): PTTLELGWLR[Pro863Leu]QAEVDRFVVS

ClinVar aggregate classification (germline): Uncertain significance (1 of 4 stars; one submission).

Conditions:
Cardiovascular phenotype. Identifiers: MedGen CN230736.

Allele frequency attached by ClinVar (database versions not stated): gnomAD 0.00001.
gnomAD v4.1: 1 of 1,610,836 alleles (0.000062%); highest among the groups gnomAD compares: African/African-American, 0.0013%; no homozygotes.

Submission:

Ambry Genetics
Classification: Uncertain significance for Cardiovascular phenotype. Last evaluated: 2024-01-29. Review status: criteria provided, single submitter. Criteria: Ambry Variant Classification Scheme 2023. Collection method: clinical testing. Allele origin: germline.
Comment: The p.P863L variant (also known as c.2588C>T), located in coding exon 5 of the TNXB gene, results from a C to T substitution at nucleotide position 2588. The proline at codon 863 is replaced by leucine, an amino acid with similar properties. This amino acid position is conserved. In addition, the in silico prediction for this alteration is inconclusive. Based on the available evidence, the clinical significance of this alteration remains unclear.